The following is an entry in ClinVar:

NM_000059.4(BRCA2):c.10225C>G (p.Gln3409Glu)

Gene: BRCA2 (BRCA2 DNA repair associated; plus strand). Cytogenetic location: 13q13.1.
Variant type: single nucleotide variant.
Coding change: c.10225C>G on transcript NM_000059.4 (MANE Select); coding-DNA position 10225, C replaced by G.
Protein change: p.Gln3409Glu; replaces glutamine 3409 with glutamic acid.
Molecular consequence: missense variant. On other transcripts: non-coding transcript variant (1).
Genome position (GRCh38, 1-based): chr13:32,398,738, C>G. VCF-style: chr13-32398738-C-G. GRCh37 (hg19) VCF-style: chr13-32972875-C-G.
Other names: c.3808C>G, p.Gln1270Glu (NM_001406722.1); c.10225C>G, p.Gln3409Glu (NM_001432077.1); c.10129C>G, p.Gln3377Glu (NM_001406719.1); c.10174C>G, p.Gln3392Glu (NM_001406720.1); c.5293C>G, p.Gln1765Glu (NM_001406721.1); short protein forms Q3409E, Q1270E, Q1765E, Q3392E, Q3377E.
Identifiers: ClinVar variation 4842969 (VCV004842969.1).
Genomic context (GRCh38, chr13:32,398,738, plus strand): 5'-TCTCTGATCAAAGAACAGGAGAGTTCCCAGGCCAGTACGGAAGAATGTGAGAAAAATAAG[C>G]AGGACACAATTACAACTAAAAAATATATCTAAGCATTTGCAAAGGCGACAATAAATTATT-3'
Protein context (NP_000050.3, residues 3399-3418): ASTEECEKNK[Gln3409Glu]DTITTKKYI

ClinVar aggregate classification (germline): Uncertain significance (1 of 4 stars; one submission).

Conditions:
Hereditary cancer-predisposing syndrome. Also called: Neoplastic Syndromes, Hereditary; Tumor predisposition; Hereditary Cancer Syndrome; Hereditary neoplastic syndrome. Identifiers: Orphanet 140162, MedGen C0027672, MeSH D009386, MONDO:0015356.

Submission:

Ambry Genetics
Classification: Uncertain significance for Hereditary cancer-predisposing syndrome. Last evaluated: 2025-12-26. Review status: criteria provided, single submitter. Criteria: Ambry Variant Classification Scheme 2023. Collection method: clinical testing. Allele origin: germline.
Comment: The p.Q3409E variant (also known as c.10225C>G), located in coding exon 26 of the BRCA2 gene, results from a C to G substitution at nucleotide position 10225. The glutamine at codon 3409 is replaced by glutamic acid, an amino acid with highly similar properties. This amino acid position is conserved. In addition, this alteration is predicted to be tolerated by in silico analysis. Based on the available evidence, the clinical significance of this variant remains unclear.